The following is an entry in ClinVar:

ClinVar aggregate classification (germline): Pathogenic (1 of 4 stars; one submission).

Conditions:
Mitochondrial complex III deficiency nuclear type 2. Identifiers: MedGen C3554605, MONDO:0014063, OMIM 615157.

Submission:

3billion
Classification: Pathogenic for Mitochondrial complex III deficiency nuclear type 2. Last evaluated: 2025-08-04. Review status: criteria provided, single submitter. Criteria: ACMG Guidelines, 2015. Collection method: clinical testing. Allele origin: germline. Affected: yes.
Comment: The variant is not observed in the gnomAD v4.1.0 dataset. Predicted Consequence/Location: Stop-gained (nonsense): predicted to result in a loss or disruption of normal protein function through nonsense-mediated decay (NMD) or protein truncation. Multiple pathogenic variants are reported downstream of the variant. Therefore, this variant is classified as Pathogenic according to the recommendation of ACMG/AMP guideline.

NM_017775.4(TTC19):c.136C>T (p.Arg46Ter)

Genes: TTC19 (tetratricopeptide repeat domain 19; plus strand), LOC130060311 (ATAC-STARR-seq lymphoblastoid silent region 8214; plus strand). Cytogenetic location: 17p12.
Variant type: single nucleotide variant.
Coding change: c.136C>T on transcript NM_017775.4 (MANE Select); coding-DNA position 136, C replaced by T.
Protein change: p.Arg46Ter; replaces arginine 46 with a stop codon.
Molecular consequence: nonsense. On other transcripts: 5 prime UTR variant (1).
Genome position (GRCh38, 1-based): chr17:15,999,984, C>T. VCF-style: chr17-15999984-C-T. GRCh37 (hg19) VCF-style: chr17-15903298-C-T.
Other names: c.-323C>T (NM_001271420.2); short protein forms R46*.
Identifiers: ClinVar variation 4855935 (VCV004855935.1).
Genomic context (GRCh38, chr17:15,999,984, plus strand): 5'-GCGCGCCTGCTCCCGGGGCTGGCAGGAGGTCCGGGGCCCGAGGTGCAGGTGCCGCCATCC[C>T]GAGTCGCGCCGCACGGCCGGGGCCCAGGCCTGCTGCCGCTGCTGGCAGGTGAGGGGCGCG-3'